The following is an entry in ClinVar:

NM_001198533.2(OXR1):c.2037+3G>A

Gene: OXR1 (oxidation resistance 1; plus strand). Cytogenetic location: 8q23.1.
Variant type: single nucleotide variant.
Coding change: c.2037+3G>A on transcript NM_001198533.2 (MANE Select); 3 bases into the intron after coding-DNA position 2037, G replaced by A.
Molecular consequence: intron variant.
Genome position (GRCh38, 1-based): chr8:106,737,603, G>A. VCF-style: chr8-106737603-G-A. GRCh37 (hg19) VCF-style: chr8-107749831-G-A.
Other names: c.1957-1855G>A (NM_018002.3); c.2040+3G>A (NM_001198532.1); c.1936-1855G>A (NM_181354.4); c.147+3G>A (NM_001198534.1); c.67-1855G>A (NM_001198535.1).
Identifiers: ClinVar variation 1677178 (VCV001677178.2), dbSNP rs2131557742, ClinGen allele CA2573142776.

ClinVar aggregate classification (germline): Uncertain significance. Review status: criteria provided, multiple submitters, no conflicts (2 of 4 stars). 2 submissions from 2 submitters: Uncertain significance (2). Last evaluated 2024-10-07.

Allele frequency attached by ClinVar (database versions not stated): gnomAD exomes below 0.00001.
gnomAD v4.1: 2 of 1,357,046 alleles (0.00015%); highest among the groups gnomAD compares: Middle Eastern, 0.019%; no homozygotes.

Submissions (2):

GeneDx
Classification: Uncertain significance. Last evaluated: 2024-10-07. Review status: criteria provided, single submitter. Criteria: GeneDx Variant Classification Process June 2021. Collection method: clinical testing. Allele origin: germline. Affected: yes.
Comment: Not observed at significant frequency in large population cohorts (gnomAD); In silico analysis indicates that this variant does not alter splicing; Has not been previously published as pathogenic or benign to our knowledge

Women's Health and Genetics/Laboratory Corporation of America, LabCorp
Classification: Uncertain significance. Last evaluated: 2022-03-22. Review status: criteria provided, single submitter. Criteria: LabCorp Variant Classification Summary - May 2015. Collection method: clinical testing. Allele origin: germline.
Comment: Variant summary: OXR1 c.2037+3G>A alters a conserved nucleotide located close to a canonical splice site and therefore could affect mRNA splicing, leading to a significantly altered protein sequence. Several computational tools predict a significant impact on normal splicing: Three predict the variant strengthens a 5' donor site while one predict the variant creates a 5' donor site at the same location. However, these predictions have yet to be confirmed by functional studies. The variant was absent in 90840 control chromosomes. The available data on variant occurrences in the general population are insufficient to allow any conclusion about variant significance. To our knowledge, no occurrence of c.2037+3G>A in individuals affected with Congenital Cerebellar Hypoplasia and no experimental evidence demonstrating its impact on protein function have been reported. No clinical diagnostic laboratories have submitted clinical-significance assessments for this variant to ClinVar after 2014. Based on the evidence outlined above, the variant was classified as uncertain significance.